The following is an entry in ClinVar:

NM_005422.4(TECTA):c.4163G>A (p.Arg1388His)

Genes: TBCEL-TECTA (TBCEL-TECTA readthrough; plus strand), TECTA (tectorin alpha; plus strand). Cytogenetic location: 11q23.3.
Variant type: single nucleotide variant.
Coding change: c.4163G>A on transcript NM_005422.4 (MANE Select); coding-DNA position 4163, G replaced by A.
Protein change: p.Arg1388His; replaces arginine 1388 with histidine.
Molecular consequence: missense variant.
Genome position (GRCh38, 1-based): chr11:121,152,938, G>A. VCF-style: chr11-121152938-G-A. GRCh37 (hg19) VCF-style: chr11-121023647-G-A.
Other names: short protein forms R1388H.
Identifiers: ClinVar variation 872040 (VCV000872040.51), dbSNP rs150016625, ClinGen allele CA6327377.
Genomic context (GRCh38, chr11:121,152,938, plus strand): 5'-CAGCTGTCACCTGCCCTCCAAACAGCCATTACGAGAGCTGCGTGAGTGTCTGCCAGCCCC[G>A]CTGCGCCGCCATCCGCCTGAAGAGTGACTGCAGCCACTACTGCGTGGAGGGCTGTCACTG-3'
Protein context (NP_005413.2, residues 1378-1398): YESCVSVCQP[Arg1388His]CAAIRLKSDC

ClinVar aggregate classification (germline): Conflicting classifications of pathogenicity. Review status: criteria provided, conflicting classifications (1 of 4 stars). 6 submissions from 5 submitters: Pathogenic (1); Uncertain significance (2); Likely benign (3). Last evaluated 2026-07-01.

Conditions:
Autosomal dominant nonsyndromic hearing loss 12. Also called: DEAFNESS, AUTOSOMAL DOMINANT 8. Identifiers: Orphanet 90635, MedGen C1832187, MONDO:0011102, OMIM 601543.
TECTA-related disorder. Also called: TECTA-related condition.
Autosomal recessive nonsyndromic hearing loss 21. Identifiers: Orphanet 90636, MedGen C1863655, MONDO:0011351, OMIM 603629.

Allele frequency attached by ClinVar (database versions not stated): gnomAD 0.00009 and 0.00016; TOPMed 0.00013; ESP Exome Variant Server 0.00023; ExAC 0.00036; gnomAD exomes 0.00037.
gnomAD v4.1: 335 of 1,612,800 alleles (0.021%); highest among the groups gnomAD compares: Middle Eastern, 0.48%; 1 homozygote.

Submissions (6):

CeGaT Center for Human Genetics Tuebingen
Classification: Likely benign. Last evaluated: 2026-07-01. Review status: criteria provided, single submitter. Criteria: CeGaT Center For Human Genetics Tuebingen Variant Classification Criteria Version 2. Collection method: clinical testing. Allele origin: germline. Affected: yes. Observed: 2 variant alleles.
Comment: TECTA: BS2

PreventionGenetics, part of Exact Sciences
Classification: Uncertain significance for TECTA-related condition. Last evaluated: 2026-02-27. Review status: criteria provided, single submitter. Criteria: ACMG Guidelines, 2015. Collection method: clinical testing. Allele origin: germline.
Comment: The TECTA c.4163G>A variant is predicted to result in the amino acid substitution p.Arg1388His. This variant was reported in the heterozygous state in an individual with hearing loss (Table S1, Chen et al. 2016. PubMed ID: 27610647). This variant is reported in 0.16% of alleles in individuals of South Asian descent in gnomAD, which may be too high for variant causative in autosomal dominant disorder. Although we suspect that this variant may be benign, at this time, the clinical significance of this variant is uncertain due to the absence of conclusive functional and genetic evidence.

Labcorp Genetics (formerly Invitae), Labcorp
Classification: Likely benign. Last evaluated: 2025-11-22. Review status: criteria provided, single submitter. Criteria: Invitae Variant Classification Sherloc (09022015). Collection method: clinical testing. Allele origin: germline.

Laboratory of Prof. Karen Avraham, Tel Aviv University
Classification: Pathogenic for Autosomal recessive nonsyndromic hearing loss 21. Last evaluated: 2024-12-12. Review status: criteria provided, single submitter. Criteria: ACMG Guidelines, 2015. Collection method: research. Allele origin: germline. Inheritance: Autosomal recessive inheritance. Affected: yes. Observed: 1 compound heterozygote.
Comment: The c.4163G>A:p.(Arg1388His) variant is classified pathogenic by the Deafness Variation Database based on PMID: 27610647.

Illumina Laboratory Services, Illumina
Classification: Likely benign for Autosomal dominant nonsyndromic hearing loss 12. Last evaluated: 2018-01-12. Review status: criteria provided, single submitter. Criteria: ICSL Variant Classification Criteria 13 December 2019. Collection method: clinical testing. Allele origin: germline.
Comment: This variant was observed in the ICSL laboratory as part of a predisposition screen in an ostensibly healthy population. It had not been previously curated by ICSL or reported in the Human Gene Mutation Database (HGMD: prior to June 1st, 2018), and was therefore a candidate for classification through an automated scoring system. Utilizing variant allele frequency, disease prevalence and penetrance estimates, and inheritance mode, an automated score was calculated to assess if this variant is too frequent to cause the disease. Based on the score and internal cut-off values, a variant classified as likely benign is not then subjected to further curation. The score for this variant resulted in a classification of likely benign for this disease.

Illumina Laboratory Services, Illumina
Classification: Uncertain significance for Autosomal recessive nonsyndromic hearing loss 21. Last evaluated: 2018-01-12. Review status: criteria provided, single submitter. Criteria: ICSL Variant Classification Criteria 13 December 2019. Collection method: clinical testing. Allele origin: germline.